The following is an entry in ClinVar:

NM_020312.4(COQ9):c.306del (p.Ile103fs)

Gene: COQ9 (coenzyme Q9; plus strand). Cytogenetic location: 16q21.
Variant type: Deletion.
Coding change: c.306del on transcript NM_020312.4 (MANE Select); coding-DNA position 306, one base deleted (C; older notation c.306delC).
Protein change: p.Ile103fs; shifts the reading frame from isoleucine 103.
Molecular consequence: frameshift variant.
Genome position (GRCh38, 1-based): chr16:57,452,864, C deleted. VCF-style (leftmost placement, unchanged base first): chr16-57452863-GC-G. GRCh37 (hg19) VCF-style: chr16-57486775-GC-G.
Other names: short protein forms I103fs.
Identifiers: ClinVar variation 5005608 (VCV005005608.2).

ClinVar aggregate classification (germline): Likely pathogenic (1 of 4 stars; one submission).

Conditions:
Encephalopathy-hypertrophic cardiomyopathy-renal tubular disease syndrome. Identifiers: Orphanet 319678, MedGen C3553374, MONDO:0013840, OMIM 614654.

Submission:

Juno Genomics, Hangzhou Juno Genomics, Inc
Classification: Likely pathogenic for Encephalopathy-hypertrophic cardiomyopathy-renal tubular disease syndrome. Review status: criteria provided, single submitter. Criteria: ACMG Guidelines, 2015. Collection method: clinical testing. Allele origin: germline.
Comment: Null variant in a gene where loss of function (LOF) is a known mechanism of disease.;Absent from controls (or at extremely low frequency if recessive) in Genome Aggregation Database.